The following is an entry in ClinVar:

ClinVar aggregate classification (germline): Uncertain significance. Review status: criteria provided, multiple submitters, no conflicts (2 of 4 stars). 2 submissions from 2 submitters: Uncertain significance (2). Last evaluated 2025-07-28.

Conditions:
Arrhythmogenic right ventricular cardiomyopathy (ARVD). Also called: Arrhythmogenic cardiomyopathy; Cardiomyopathy, ARVC; Arrhythmogenic right ventricular dysplasia; Arrhythmogenic Right Ventricular Cardiomyopathy (ARVC). Identifiers: Orphanet 247, MedGen C0349788, MeSH D019571, MONDO:0016587. Disease mechanism: loss of function. Inheritance: Various modes of inheritance.
Arrhythmogenic right ventricular dysplasia 10. Also called: Arrhythmogenic Right Ventricular Dysplasia/Cardiomyopathy10; ARRHYTHMOGENIC RIGHT VENTRICULAR DYSPLASIA, FAMILIAL, 10; Arrhythmogenic right ventricular dysplasia/cardiomyopathy, type 10. Identifiers: MedGen C1857777, MONDO:0012434, OMIM 610193.

gnomAD v4.1: 12 of 1,613,096 alleles (0.00074%); highest among the groups gnomAD compares: African/African-American, 0.0013%; no homozygotes.

Submissions (2):

Labcorp Genetics (formerly Invitae), Labcorp
Classification: Uncertain significance for Arrhythmogenic right ventricular dysplasia 10. Last evaluated: 2025-07-28. Review status: criteria provided, single submitter. Criteria: Invitae Variant Classification Sherloc (09022015). Collection method: clinical testing. Allele origin: germline.
Comment: This sequence change replaces arginine, which is basic and polar, with leucine, which is neutral and non-polar, at codon 548 of the DSG2 protein (p.Arg548Leu). This variant is not present in population databases (gnomAD no frequency). This variant has not been reported in the literature in individuals affected with DSG2-related conditions. ClinVar contains an entry for this variant (Variation ID: 937388). Invitae Evidence Modeling of protein sequence and biophysical properties (such as structural, functional, and spatial information, amino acid conservation, physicochemical variation, residue mobility, and thermodynamic stability) indicates that this missense variant is not expected to disrupt DSG2 protein function with a negative predictive value of 95%. In summary, the available evidence is currently insufficient to determine the role of this variant in disease. Therefore, it has been classified as a Variant of Uncertain Significance.

All of Us Research Program, National Institutes of Health
Classification: Uncertain significance for Arrhythmogenic right ventricular cardiomyopathy. Last evaluated: 2023-05-04. Review status: criteria provided, single submitter. Criteria: ACMG Guidelines, 2015. Collection method: clinical testing. Allele origin: germline. Inheritance: Autosomal dominant inheritance. Observed: 2 variant alleles, 2 heterozygotes.
Comment: This missense variant replaces arginine with leucine at codon 548 of the DSG2 protein. Computational prediction suggests that this variant may not impact protein structure and function (internally defined REVEL score threshold <= 0.5, PMID: 27666373). To our knowledge, functional studies have not been reported for this variant. This variant has not been reported in individuals affected with DSG2-related disorders in the literature. This variant has not been identified in the general population by the Genome Aggregation Database (gnomAD). The available evidence is insufficient to determine the role of this variant in disease conclusively. Therefore, this variant is classified as a Variant of Uncertain Significance.

This study involves interpretation of variants in research participants for the purpose of population health screening. Participant phenotype was not available at the time of variant classification. Additional details can be found in publication PMID: 35346344, PMCID: PMC8962531

NM_001943.5(DSG2):c.1643G>T (p.Arg548Leu)

Gene: DSG2 (desmoglein 2; plus strand). Cytogenetic location: 18q12.1.
Variant type: single nucleotide variant.
Coding change: c.1643G>T on transcript NM_001943.5 (MANE Select); coding-DNA position 1643, G replaced by T.
Protein change: p.Arg548Leu; replaces arginine 548 with leucine.
Molecular consequence: missense variant.
Genome position (GRCh38, 1-based): chr18:31,536,421, G>T. VCF-style: chr18-31536421-G-T. GRCh37 (hg19) VCF-style: chr18-29116384-G-T.
Other names: short protein forms R548L.
Identifiers: ClinVar variation 937388 (VCV000937388.10), dbSNP rs551034751, ClinGen allele CA043113.